The following is an entry in ClinVar:

NM_001793.6(CDH3):c.1504G>A (p.Asp502Asn)

Gene: CDH3 (cadherin 3; plus strand). Cytogenetic location: 16q22.1.
Variant type: single nucleotide variant.
Coding change: c.1504G>A on transcript NM_001793.6 (MANE Select); coding-DNA position 1504, G replaced by A.
Protein change: p.Asp502Asn; replaces aspartic acid 502 with asparagine.
Molecular consequence: missense variant.
Genome position (GRCh38, 1-based): chr16:68,685,284, G>A. VCF-style: chr16-68685284-G-A. GRCh37 (hg19) VCF-style: chr16-68719187-G-A.
Other names: c.1504G>A, p.Asp502Asn (NM_001317195.3); c.1339G>A, p.Asp447Asn (NM_001317196.2); short protein forms D502N, D447N.
Identifiers: ClinVar variation 954922 (VCV000954922.7), dbSNP rs750498455, ClinGen allele CA8129381.

ClinVar aggregate classification (germline): Uncertain significance (1 of 4 stars; one submission).

Allele frequency attached by ClinVar (database versions not stated): TOPMed below 0.00001; ExAC 0.00001; gnomAD 0.00001; gnomAD exomes 0.00001.
gnomAD v4.1: 15 of 1,613,962 alleles (0.00093%); highest among the groups gnomAD compares: East Asian, 0.0022%; no homozygotes.

Submission:

Labcorp Genetics (formerly Invitae), Labcorp
Classification: Uncertain significance. Last evaluated: 2022-02-08. Review status: criteria provided, single submitter. Criteria: Invitae Variant Classification Sherloc (09022015). Collection method: clinical testing. Allele origin: germline.
Comment: This sequence change replaces aspartic acid, which is acidic and polar, with asparagine, which is neutral and polar, at codon 502 of the CDH3 protein (p.Asp502Asn). This variant is present in population databases (rs750498455, gnomAD 0.002%). This variant has not been reported in the literature in individuals affected with CDH3-related conditions. ClinVar contains an entry for this variant (Variation ID: 954922). Algorithms developed to predict the effect of missense changes on protein structure and function are either unavailable or do not agree on the potential impact of this missense change (SIFT: "Not Available"; PolyPhen-2: "Probably Damaging"; Align-GVGD: "Not Available"). In summary, the available evidence is currently insufficient to determine the role of this variant in disease. Therefore, it has been classified as a Variant of Uncertain Significance.